The following is an entry in ClinVar:

ClinVar aggregate classification (germline): Uncertain significance. Review status: criteria provided, multiple submitters, no conflicts (2 of 4 stars). 4 submissions from 4 submitters: Uncertain significance (4). Last evaluated 2024-09-06.

Conditions:
Familial thoracic aortic aneurysm and aortic dissection (TAAD). Also called: Thoracic aortic aneurysms and dissections. Identifiers: Orphanet 91387, MedGen C4707243, MONDO:0019625.
Congenital contractural arachnodactyly (CCA). Also called: BEALS SYNDROME; Beals-Hecht syndrome; Arthrogryposis, distal, type 9. Identifiers: Orphanet 115, MedGen C0220668, MONDO:0007363, OMIM 121050.

Allele frequency attached by ClinVar (database versions not stated): gnomAD exomes below 0.00001; TOPMed below 0.00001.
gnomAD v4.1: 4 of 1,613,824 alleles (0.00025%); highest among the groups gnomAD compares: Non-Finnish European, 0.00034%; no homozygotes.

Submissions (4):

Centre of Medical Genetics, University of Antwerp
Classification: Uncertain significance for Familial thoracic aortic aneurysm and aortic dissection. Last evaluated: 2024-09-06. Review status: criteria provided, single submitter. Criteria: ACMG Guidelines, 2015. Collection method: clinical testing. Allele origin: germline. Affected: yes.

Ambry Genetics
Classification: Uncertain significance for Familial thoracic aortic aneurysm and aortic dissection. Last evaluated: 2024-01-22. Review status: criteria provided, single submitter. Criteria: Ambry Variant Classification Scheme 2023. Collection method: clinical testing. Allele origin: germline.
Comment: The p.G2586A variant (also known as c.7757G>C), located in coding exon 61 of the FBN2 gene, results from a G to C substitution at nucleotide position 7757. The glycine at codon 2586 is replaced by alanine, an amino acid with similar properties. This amino acid position is well conserved in available vertebrate species. In addition, this alteration is predicted to be tolerated by in silico analysis. Based on the available evidence, the clinical significance of this alteration remains unclear.

Labcorp Genetics (formerly Invitae), Labcorp
Classification: Uncertain significance for Congenital contractural arachnodactyly. Last evaluated: 2023-07-12. Review status: criteria provided, single submitter. Criteria: Invitae Variant Classification Sherloc (09022015). Collection method: clinical testing. Allele origin: germline.
Comment: This variant is not present in population databases (gnomAD no frequency). This sequence change replaces glycine, which is neutral and non-polar, with alanine, which is neutral and non-polar, at codon 2586 of the FBN2 protein (p.Gly2586Ala). This variant has not been reported in the literature in individuals affected with FBN2-related conditions. In summary, the available evidence is currently insufficient to determine the role of this variant in disease. Therefore, it has been classified as a Variant of Uncertain Significance. Advanced modeling of protein sequence and biophysical properties (such as structural, functional, and spatial information, amino acid conservation, physicochemical variation, residue mobility, and thermodynamic stability) performed at Invitae indicates that this missense variant is not expected to disrupt FBN2 protein function. ClinVar contains an entry for this variant (Variation ID: 1675240).

GeneDx
Classification: Uncertain significance. Last evaluated: 2021-12-23. Review status: criteria provided, single submitter. Criteria: GeneDx Variant Classification Process June 2021. Collection method: clinical testing. Allele origin: germline. Affected: yes.
Comment: Has not been previously published as pathogenic or benign to our knowledge; Not observed at significant frequency in large population cohorts (gnomAD); In silico analysis supports that this missense variant has a deleterious effect on protein structure/function; Although located in a calcium-binding EGF-like domain of the FBN2 gene, it does not affect a cysteine residue within this domain; cysteine substitutions in the calcium-binding EGF-like domains represent the majority of pathogenic missense changes associated with FBN2-related disorders (Frdric et al., 2009)

NM_001999.4(FBN2):c.7757G>C (p.Gly2586Ala)

Gene: FBN2 (fibrillin 2; minus strand). Cytogenetic location: 5q23.3.
Variant type: single nucleotide variant.
Coding change: c.7757G>C on transcript NM_001999.4 (MANE Select); coding-DNA position 7757, G replaced by C.
Protein change: p.Gly2586Ala; replaces glycine 2586 with alanine.
Molecular consequence: missense variant.
Genome position (GRCh38, 1-based): chr5:128,273,923, C>G on the plus strand (G>C on the coding strand, the complement: FBN2 is on the minus strand). VCF-style: chr5-128273923-C-G. GRCh37 (hg19) VCF-style: chr5-127609615-C-G.
Other names: short protein forms G2586A.
Identifiers: ClinVar variation 1675240 (VCV001675240.7), dbSNP rs1447205905, ClinGen allele CA360752686.